The following is an entry in ClinVar:

NM_004519.4(KCNQ3):c.758C>G (p.Ala253Gly)

Gene: KCNQ3 (potassium voltage-gated channel subfamily Q member 3; minus strand). Cytogenetic location: 8q24.22.
Variant type: single nucleotide variant.
Coding change: c.758C>G on transcript NM_004519.4 (MANE Select); coding-DNA position 758, C replaced by G.
Protein change: p.Ala253Gly; replaces alanine 253 with glycine.
Molecular consequence: missense variant.
Genome position (GRCh38, 1-based): chr8:132,180,176, G>C on the plus strand (C>G on the coding strand, the complement: KCNQ3 is on the minus strand). VCF-style: chr8-132180176-G-C. GRCh37 (hg19) VCF-style: chr8-133192423-G-C.
Other names: c.398C>G, p.Ala133Gly (NM_001204824.2); short protein forms A253G, A133G.
Identifiers: ClinVar variation 860349 (VCV000860349.9), dbSNP rs1826707798, ClinGen allele CA372290692.
Genomic context (GRCh38, chr8:132,180,176, plus strand): 5'-GGGAAGCCCATGTGGTCCTGCAGTTTCTCCACCACACTTACTTTGCTGTGGGCACAGATG[G>C]CTGAGCCCAGAAGCTTCCAGGTGCCACCTCTCCGGTCCATCCGCAGCATGCGCAGGATCT-3'
Protein context (NP_004510.1, residues 243-263): RGGTWKLLGS[Ala253Gly]ICAHSKELIT

ClinVar aggregate classification (germline): Uncertain significance (1 of 4 stars; one submission).

Conditions:
Benign neonatal seizures. Also called: Benign neonatal familial convulsions; Benign familial neonatal epilepsy; Convulsions benign familial neonatal dominant form; Autosomal dominant form of benign neonatal seizures; Benign familial neonatal seizures. Identifiers: Orphanet 1949, MedGen C0220669, MONDO:0016027.

Allele frequency attached by ClinVar (database versions not stated): TOPMed below 0.00001.

Submission:

Labcorp Genetics (formerly Invitae), Labcorp
Classification: Uncertain significance for Benign neonatal seizures. Last evaluated: 2019-11-25. Review status: criteria provided, single submitter. Criteria: Invitae Variant Classification Sherloc (09022015). Collection method: clinical testing. Allele origin: germline.
Comment: In summary, the available evidence is currently insufficient to determine the role of this variant in disease. Therefore, it has been classified as a Variant of Uncertain Significance. Algorithms developed to predict the effect of missense changes on protein structure and function are either unavailable or do not agree on the potential impact of this missense change (SIFT: "Deleterious"; PolyPhen-2: "Probably Damaging"; Align-GVGD: "Class C0"). This variant has not been reported in the literature in individuals with KCNQ3-related conditions. This variant is not present in population databases (ExAC no frequency). This sequence change replaces alanine with glycine at codon 253 of the KCNQ3 protein (p.Ala253Gly). The alanine residue is moderately conserved and there is a small physicochemical difference between alanine and glycine.